The following is an entry in ClinVar:

NM_014797.3(ZBTB24):c.1369C>A (p.Arg457=)

Gene: ZBTB24 (zinc finger and BTB domain containing 24; minus strand). Cytogenetic location: 6q21.
Variant type: single nucleotide variant.
Coding change: c.1369C>A on transcript NM_014797.3 (MANE Select); coding-DNA position 1369, C replaced by A.
Protein change: p.Arg457=; no amino-acid change (arginine 457 retained).
Molecular consequence: synonymous variant.
Genome position (GRCh38, 1-based): chr6:109,467,654, G>T on the plus strand (C>A on the coding strand, the complement: ZBTB24 is on the minus strand). VCF-style: chr6-109467654-G-T. GRCh37 (hg19) VCF-style: chr6-109788857-G-T.
Identifiers: ClinVar variation 3336270 (VCV003336270.1).

ClinVar aggregate classification (germline): Uncertain significance (1 of 4 stars; one submission).

gnomAD v4.1: 1 of 1,613,916 alleles (0.000062%); highest among the groups gnomAD compares: East Asian, 0.0022%; no homozygotes.

Submission:

Women's Health and Genetics/Laboratory Corporation of America, LabCorp
Classification: Uncertain significance. Last evaluated: 2024-05-01. Review status: criteria provided, single submitter. Criteria: LabCorp Variant Classification Summary - May 2015. Collection method: clinical testing. Allele origin: germline.
Comment: Variant summary: ZBTB24 c.1369C>A (p.Arg457Arg) alters a conserved nucleotide located close to a canonical splice site and therefore could affect mRNA splicing, leading to a significantly altered protein sequence. Several computational tools predict a significant impact on normal splicing: Two predict the variant creates a 5' donor site. One predicts the variant strengthens a 5' donor site. One predicts the variant weakens a 5' donor site. However, these predictions have yet to be confirmed by functional studies. The variant was absent in 251446 control chromosomes. The available data on variant occurrences in the general population are insufficient to allow any conclusion about variant significance. To our knowledge, no occurrence of c.1369C>A in individuals affected with ICF Syndrome, Type 2 and no experimental evidence demonstrating its impact on protein function have been reported. No submitters have cited clinical-significance assessments for this variant to ClinVar. Based on the evidence outlined above, the variant was classified as uncertain significance.